The following is an entry in ClinVar:

ClinVar aggregate classification (germline): Likely pathogenic. Review status: criteria provided, multiple submitters, no conflicts (2 of 4 stars). 3 submissions from 3 submitters: Likely pathogenic (3). Last evaluated 2023-10-03.

Conditions:
Hereditary cancer-predisposing syndrome. Also called: Hereditary neoplastic syndrome; Neoplastic Syndromes, Hereditary; Tumor predisposition; Hereditary Cancer Syndrome. Identifiers: Orphanet 140162, MedGen C0027672, MeSH D009386, MONDO:0015356.
Familial cancer of breast. Also called: BREAST CANCER, FAMILIAL; Hereditary breast cancer; hereditary breast carcinoma. Identifiers: Orphanet 227535, MedGen C0346153, MONDO:0016419, OMIM 114480. Disease mechanism: loss of function.
Ataxia-telangiectasia syndrome (AT). Also called: LOUIS-BAR SYNDROME; Cerebello-oculocutaneous telangiectasia; Immunodeficiency with ataxia telangiectasia; AT, COMPLEMENTATION GROUP C; Ataxia-telangiectasia, complementation group D; ATAXIA-TELANGIECTASIA, COMPLEMENTATION GROUP A. Identifiers: Orphanet 100, MedGen C0004135, MONDO:0008840, OMIM 208900.

Allele frequency attached by ClinVar (database versions not stated): gnomAD 0.00001.

Submissions (3):

Labcorp Genetics (formerly Invitae), Labcorp
Classification: Likely pathogenic for Ataxia-telangiectasia syndrome. Last evaluated: 2023-10-03. Review status: criteria provided, single submitter. Criteria: Invitae Variant Classification Sherloc (09022015). Collection method: clinical testing. Allele origin: germline.
Comment: This sequence change affects an acceptor splice site in intron 3 of the ATM gene. It is expected to disrupt RNA splicing. Variants that disrupt the donor or acceptor splice site typically lead to a loss of protein function (PMID: 16199547), and loss-of-function variants in ATM are known to be pathogenic (PMID: 23807571, 25614872). This variant is present in population databases (no rsID available, gnomAD 0.01%). This variant has not been reported in the literature in individuals affected with ATM-related conditions. ClinVar contains an entry for this variant (Variation ID: 481091). Algorithms developed to predict the effect of sequence changes on RNA splicing suggest that this variant may disrupt the consensus splice site. In summary, the currently available evidence indicates that the variant is pathogenic, but additional data are needed to prove that conclusively. Therefore, this variant has been classified as Likely Pathogenic.

Baylor Genetics
Classification: Likely pathogenic for Familial cancer of breast. Last evaluated: 2021-06-04. Review status: criteria provided, single submitter. Criteria: ACMG Guidelines, 2015. Collection method: clinical testing. Allele origin: unknown.

Ambry Genetics
Classification: Likely pathogenic for Hereditary cancer-predisposing syndrome. Last evaluated: 2021-01-11. Review status: criteria provided, single submitter. Criteria: Ambry Variant Classification Scheme 2023. Collection method: clinical testing. Allele origin: germline.
Comment: The c.186-1G>A intronic variant results from a G to A substitution one nucleotide upstream from coding exon 3 of the ATM gene. This nucleotide position is highly conserved in available vertebrate species. In silico splice site analysis predicts that this alteration will weaken the native splice acceptor site and will result in the creation or strengthening of a novel splice acceptor site. RNA studies have demonstrated that this alteration results in abnormal splicing in the set of samples tested (Ambry internal data). Based on the majority of available evidence to date, this variant is likely to be pathogenic.

Literature cited by the submitters: PubMed 16199547 (cited by Labcorp Genetics (formerly Invitae), Labcorp); PubMed 23807571 (cited by Labcorp Genetics (formerly Invitae), Labcorp); PubMed 25614872 (cited by Labcorp Genetics (formerly Invitae), Labcorp).

NM_000051.4(ATM):c.186-1G>A

Gene: ATM (ATM serine/threonine kinase; plus strand). Cytogenetic location: 11q22.3.
Variant type: single nucleotide variant.
Coding change: c.186-1G>A on transcript NM_000051.4 (MANE Select); the canonical splice acceptor site of the intron before coding-DNA position 186, G replaced by A.
Molecular consequence: splice acceptor variant.
Genome position (GRCh38, 1-based): chr11:108,229,177, G>A. VCF-style: chr11-108229177-G-A. GRCh37 (hg19) VCF-style: chr11-108099904-G-A.
Other names: c.186-1G>A (NM_001351834.2, NM_001351835.2, NM_001351836.2).
Identifiers: ClinVar variation 481091 (VCV000481091.13), dbSNP rs1259911051, ClinGen allele CA382520987.
Genomic context (GRCh38, chr11:108,229,177, plus strand): 5'-TGAAATTATTATAATTTAAGTATTCAACGAGTTTCTGAAATTGCATTTTGTTTTCTTGAA[G>A]ATTTTTACAGAAATATATTCAGAAAGAAACAGAATGTCTGAGAATAGCAAAACCAAATGT-3'